The following is an entry in ClinVar:

NM_002332.3(LRP1):c.7636G>A (p.Gly2546Ser)

Gene: LRP1 (LDL receptor related protein 1; plus strand). Cytogenetic location: 12q13.3.
Variant type: single nucleotide variant.
Coding change: c.7636G>A on transcript NM_002332.3 (MANE Select); coding-DNA position 7636, G replaced by A.
Protein change: p.Gly2546Ser; replaces glycine 2546 with serine.
Molecular consequence: missense variant.
Genome position (GRCh38, 1-based): chr12:57,193,256, G>A. VCF-style: chr12-57193256-G-A. GRCh37 (hg19) VCF-style: chr12-57587039-G-A.
Other names: short protein forms G2546S.
Identifiers: ClinVar variation 790276 (VCV000790276.30), dbSNP rs113379328, ClinGen allele CA6644117.

ClinVar aggregate classification (germline): Likely benign. Review status: criteria provided, multiple submitters, no conflicts (2 of 4 stars). 5 submissions from 5 submitters: Likely benign (4). 1 of the submissions does not count toward it. Last evaluated 2024-11-25.

Conditions:
LRP1-related disorder. Also called: LRP1-related condition.

Allele frequency attached by ClinVar (database versions not stated): ESP Exome Variant Server 0.00215; 1000 Genomes Project 0.00220; TOPMed 0.00244; 1000 Genomes Project 30x 0.00250; gnomAD 0.00300 and 0.00310; ExAC 0.00305; gnomAD exomes 0.00314 and 0.00338.
gnomAD v4.1: 5,385 of 1,613,896 alleles (0.33%); highest among the groups gnomAD compares: South Asian, 0.51%; 17 homozygotes.

Submissions (5):

Blueprint Genetics
Classification: Likely benign. Last evaluated: 2024-11-25. Review status: criteria provided, single submitter. Criteria: ACMG Guidelines, 2015. Collection method: clinical testing. Allele origin: germline.

CeGaT Center for Human Genetics Tuebingen
Classification: Likely benign. Last evaluated: 2024-10-01. Review status: criteria provided, single submitter. Criteria: CeGaT Center For Human Genetics Tuebingen Variant Classification Criteria Version 2. Collection method: clinical testing. Allele origin: germline. Affected: yes. Observed: 6 variant alleles.
Comment: LRP1: BS2

Labcorp Genetics (formerly Invitae), Labcorp
Classification: Likely benign. Last evaluated: 2019-12-31. Review status: criteria provided, single submitter. Criteria: Invitae Variant Classification Sherloc (09022015). Collection method: clinical testing. Allele origin: germline.

Breakthrough Genomics
Classification: Likely benign. Review status: criteria provided, single submitter. Criteria: ACMG Guidelines, 2015. Collection method: not provided. Allele origin: germline. Inheritance: Autosomal recessive inheritance. Affected: yes.

PreventionGenetics, part of Exact Sciences
Classification: Likely benign for LRP1-related condition. Last evaluated: 2019-09-24. Review status: no assertion criteria provided. Collection method: clinical testing. Allele origin: germline. Not counted in ClinVar's aggregate classification.
Comment: This variant is classified as likely benign based on ACMG/AMP sequence variant interpretation guidelines (Richards et al. 2015 PMID: 25741868, with internal and published modifications).